The following is an entry in ClinVar:

NM_173076.3(ABCA12):c.69G>A (p.Pro23=)

Gene: ABCA12 (ATP binding cassette subfamily A member 12; minus strand). Cytogenetic location: 2q35.
Variant type: single nucleotide variant.
Coding change: c.69G>A on transcript NM_173076.3 (MANE Select); coding-DNA position 69, G replaced by A.
Protein change: p.Pro23=; no amino-acid change (proline 23 retained).
Molecular consequence: synonymous variant. On other transcripts: non-coding transcript variant (1).
Genome position (GRCh38, 1-based): chr2:215,138,140, C>T on the plus strand (G>A on the coding strand, the complement: ABCA12 is on the minus strand). VCF-style: chr2-215138140-C-T. GRCh37 (hg19) VCF-style: chr2-216002863-C-T.
Identifiers: ClinVar variation 1310229 (VCV001310229.5), dbSNP rs2105925883, ClinGen allele CA431321757.

ClinVar aggregate classification (germline): Uncertain significance. Review status: criteria provided, multiple submitters, no conflicts (2 of 4 stars). 2 submissions from 2 submitters: Uncertain significance (2). Last evaluated 2024-06-10.

gnomAD v4.1: 3 of 1,613,952 alleles (0.00019%); highest among the groups gnomAD compares: South Asian, 0.0011%; no homozygotes.

Submissions (2):

Labcorp Genetics (formerly Invitae), Labcorp
Classification: Uncertain significance. Last evaluated: 2024-06-10. Review status: criteria provided, single submitter. Criteria: Invitae Variant Classification Sherloc (09022015). Collection method: clinical testing. Allele origin: germline.
Comment: This sequence change affects codon 23 of the ABCA12 mRNA. It is a 'silent' change, meaning that it does not change the encoded amino acid sequence of the ABCA12 protein. This variant also falls at the last nucleotide of exon 1, which is part of the consensus splice site for this exon. This variant is not present in population databases (gnomAD no frequency). This variant has been observed in individual(s) with harlequin ichthyosis (PMID: 31046801). ClinVar contains an entry for this variant (Variation ID: 1310229). Variants that disrupt the consensus splice site are a relatively common cause of aberrant splicing (PMID: 17576681, 9536098). Algorithms developed to predict the effect of sequence changes on RNA splicing suggest that this variant may disrupt the consensus splice site. In summary, the available evidence is currently insufficient to determine the role of this variant in disease. Therefore, it has been classified as a Variant of Uncertain Significance.

GeneDx
Classification: Uncertain significance. Last evaluated: 2023-07-13. Review status: criteria provided, single submitter. Criteria: GeneDx Variant Classification Process June 2021. Collection method: clinical testing. Allele origin: germline. Affected: yes.
Comment: Not observed at significant frequency in large population cohorts (gnomAD); In silico analysis is inconclusive as to whether the variant alters gene splicing; in the absence of RNA/functional studies, the actual effect of this sequence change is unknown; This variant is associated with the following publications: (PMID: 31046801)

Literature cited by the submitters: PubMed 31046801 (cited by Labcorp Genetics (formerly Invitae), Labcorp); PubMed 17576681 (cited by Labcorp Genetics (formerly Invitae), Labcorp); PubMed 9536098 (cited by Labcorp Genetics (formerly Invitae), Labcorp).